The following is an entry in ClinVar:

NM_001165963.4(SCN1A):c.2167_2176+13dup

Gene: SCN1A (sodium voltage-gated channel alpha subunit 1; minus strand). Cytogenetic location: 2q24.3.
Variant type: Duplication.
Coding change: c.2167_2176+13dup on transcript NM_001165963.4 (MANE Select); coding-DNA position 2167 through 13 bases into the intron after coding-DNA position 2176, 23 bases duplicated (ACAGTAGAAGGTTGGTAACAAAT).
Molecular consequence: splice donor variant.
Genome position (GRCh38, 1-based): chr2:166,042,279-166,042,301, ATTTGTTACCAACCTTCTACTGT duplicated on the plus strand (ACAGTAGAAGGTTGGTAACAAAT on the coding strand, the reverse complement: SCN1A is on the minus strand); duplicating any 23 consecutive bases within chr2:166,042,279-166,042,309 gives the same sequence; the c. name uses the placement nearest the transcript's 3' end. VCF-style (leftmost placement, unchanged base first): chr2-166042278-A-AATTTGTTACCAACCTTCTACTGT. GRCh37 (hg19) VCF-style: chr2-166898788-A-AATTTGTTACCAACCTTCTACTGT.
Other names: c.2083_2092+13dup (NM_001165964.3, NM_001353958.2, NM_001353957.2); c.2134_2143+13dup (NM_001353952.2, NM_006920.6, NM_001353949.2 and 2 more transcripts); c.-292_-283+13dup (NM_001353961.2); c.2167_2176+13dup (NM_001202435.3, NM_001353948.2); c.2131_2140+13dup (NM_001353955.2, NM_001353954.2); c.2080_2089+13dup (NM_001353960.2).
Identifiers: ClinVar variation 2871227 (VCV002871227.3), dbSNP rs2468140302, ClinGen allele CA2739271499.
Genomic context (GRCh38, chr2:166,042,278, plus strand): 5'-AATATATTTGTTTGAAATGAGACAATATAAGTTTGGTGAAAATAATTGAAACGAAAATAG[A>AATTTGTTACCAACCTTCTACTGT]ATTTGTTACCAACCTTCTACTGTATTTGTTAGAATGCTGGCTATACTCATTGCTCGTTGC-3'

ClinVar aggregate classification (germline): Uncertain significance (1 of 4 stars; one submission).

Conditions:
Early-infantile DEE. Also called: Ohtahara syndrome; Early infantile epileptic encephalopathy; Early infantile epileptic encephalopathy with suppression bursts. Identifiers: Orphanet 1934, MedGen C0393706, MONDO:0800491.

Submission:

Labcorp Genetics (formerly Invitae), Labcorp
Classification: Uncertain significance for Early-infantile DEE. Last evaluated: 2023-06-19. Review status: criteria provided, single submitter. Criteria: Invitae Variant Classification Sherloc (09022015). Collection method: clinical testing. Allele origin: germline.
Comment: In summary, the available evidence is currently insufficient to determine the role of this variant in disease. Therefore, it has been classified as a Variant of Uncertain Significance. Algorithms developed to predict the effect of sequence changes on RNA splicing suggest that this variant may create or strengthen a splice site. This variant has not been reported in the literature in individuals affected with SCN1A-related conditions. This variant is not present in population databases (gnomAD no frequency). This sequence change falls in intron 12 of the SCN1A gene. It does not directly change the encoded amino acid sequence of the SCN1A protein.